The following is an entry in ClinVar:

ClinVar aggregate classification (germline): Uncertain significance (1 of 4 stars; one submission).

gnomAD v4.1: 1 of 1,583,120 alleles (0.000063%); highest among the groups gnomAD compares: East Asian, 0.0023%; no homozygotes.

Submission:

Labcorp Genetics (formerly Invitae), Labcorp
Classification: Uncertain significance. Last evaluated: 2022-05-13. Review status: criteria provided, single submitter. Criteria: Invitae Variant Classification Sherloc (09022015). Collection method: clinical testing. Allele origin: germline.
Comment: This sequence change affects a donor splice site in intron 19 of the TNNI3K gene. It is expected to disrupt RNA splicing. Variants that disrupt the donor or acceptor splice site typically lead to a loss of protein function (PMID: 16199547), however the current clinical and genetic evidence is not sufficient to establish whether loss-of-function variants in TNNI3K cause disease. In summary, the available evidence is currently insufficient to determine the role of this variant in disease. Therefore, it has been classified as a Variant of Uncertain Significance. Algorithms developed to predict the effect of sequence changes on RNA splicing suggest that this variant may disrupt the consensus splice site. This variant has not been reported in the literature in individuals affected with TNNI3K-related conditions. This variant is not present in population databases (gnomAD no frequency).

Literature cited by the submitters: PubMed 16199547.

NM_015978.3(TNNI3K):c.1878+1G>T

Genes: FPGT-TNNI3K (FPGT-TNNI3K readthrough; plus strand), TNNI3K (TNNI3 interacting kinase; plus strand). Cytogenetic location: 1p31.1.
Variant type: single nucleotide variant.
Coding change: c.1878+1G>T on transcript NM_015978.3 (MANE Select); the canonical splice donor site of the intron after coding-DNA position 1878, G replaced by T.
Molecular consequence: splice donor variant.
Genome position (GRCh38, 1-based): chr1:74,436,527, G>T. VCF-style: chr1-74436527-G-T. GRCh37 (hg19) VCF-style: chr1-74902211-G-T.
Other names: c.2181+1G>T (NM_001112808.3, NM_001199327.2).
Identifiers: ClinVar variation 1936733 (VCV001936733.5), dbSNP rs1322026559, ClinGen allele CA340789069.